The following is an entry in ClinVar:

NM_020247.5(COQ8A):c.721G>T (p.Asp241Tyr)

Gene: COQ8A (coenzyme Q8A; plus strand). Cytogenetic location: 1q42.13.
Variant type: single nucleotide variant.
Coding change: c.721G>T on transcript NM_020247.5 (MANE Select); coding-DNA position 721, G replaced by T.
Protein change: p.Asp241Tyr; replaces aspartic acid 241 with tyrosine.
Molecular consequence: missense variant.
Genome position (GRCh38, 1-based): chr1:226,977,514, G>T. VCF-style: chr1-226977514-G-T. GRCh37 (hg19) VCF-style: chr1-227165215-G-T.
Other names: short protein forms D241Y.
Identifiers: ClinVar variation 1409500 (VCV001409500.6), dbSNP rs751309113, ClinGen allele CA345051243.

ClinVar aggregate classification (germline): Uncertain significance (1 of 4 stars; one submission).

Allele frequency attached by ClinVar (database versions not stated): gnomAD exomes 0.00002.

Submission:

Labcorp Genetics (formerly Invitae), Labcorp
Classification: Uncertain significance. Last evaluated: 2022-03-19. Review status: criteria provided, single submitter. Criteria: Invitae Variant Classification Sherloc (09022015). Collection method: clinical testing. Allele origin: germline.
Comment: In summary, the available evidence is currently insufficient to determine the role of this variant in disease. Therefore, it has been classified as a Variant of Uncertain Significance. Advanced modeling of protein sequence and biophysical properties (such as structural, functional, and spatial information, amino acid conservation, physicochemical variation, residue mobility, and thermodynamic stability) performed at Invitae indicates that this missense variant is not expected to disrupt COQ8A protein function. This variant has not been reported in the literature in individuals affected with COQ8A-related conditions. The frequency data for this variant in the population databases is considered unreliable, as metrics indicate poor data quality at this position in the gnomAD database. This sequence change replaces aspartic acid, which is acidic and polar, with tyrosine, which is neutral and polar, at codon 241 of the COQ8A protein (p.Asp241Tyr).